The following is an entry in ClinVar:

NM_020754.4(ARHGAP31):c.359C>T (p.Ser120Leu)

Gene: ARHGAP31 (Rho GTPase activating protein 31; plus strand). Cytogenetic location: 3q13.33.
Variant type: single nucleotide variant.
Coding change: c.359C>T on transcript NM_020754.4 (MANE Select); coding-DNA position 359, C replaced by T.
Protein change: p.Ser120Leu; replaces serine 120 with leucine.
Molecular consequence: missense variant.
Genome position (GRCh38, 1-based): chr3:119,380,914, C>T. VCF-style: chr3-119380914-C-T. GRCh37 (hg19) VCF-style: chr3-119099761-C-T.
Other names: short protein forms S120L.
Identifiers: ClinVar variation 2072292 (VCV002072292.5), dbSNP rs763491256, ClinGen allele CA2553543.

ClinVar aggregate classification (germline): Uncertain significance. Review status: criteria provided, multiple submitters, no conflicts (2 of 4 stars). 2 submissions from 2 submitters: Uncertain significance (2). Last evaluated 2025-07-14.

Conditions:
Inborn genetic diseases. Identifiers: MedGen C0950123, MeSH D030342.

Allele frequency attached by ClinVar (database versions not stated): ExAC 0.00003; gnomAD 0.00003.
gnomAD v4.1: 26 of 1,613,932 alleles (0.0016%); highest among the groups gnomAD compares: East Asian, 0.011%; no homozygotes.

Submissions (2):

Labcorp Genetics (formerly Invitae), Labcorp
Classification: Uncertain significance. Last evaluated: 2025-07-14. Review status: criteria provided, single submitter. Criteria: Invitae Variant Classification Sherloc (09022015). Collection method: clinical testing. Allele origin: germline.
Comment: This sequence change replaces serine, which is neutral and polar, with leucine, which is neutral and non-polar, at codon 120 of the ARHGAP31 protein (p.Ser120Leu). This variant is present in population databases (rs763491256, gnomAD 0.02%). This variant has not been reported in the literature in individuals affected with ARHGAP31-related conditions. ClinVar contains an entry for this variant (Variation ID: 2072292). An algorithm developed to predict the effect of missense changes on protein structure and function (PolyPhen-2) suggests that this variant is likely to be disruptive. In summary, the available evidence is currently insufficient to determine the role of this variant in disease. Therefore, it has been classified as a Variant of Uncertain Significance.

Ambry Genetics
Classification: Uncertain significance for Inborn genetic diseases. Last evaluated: 2021-11-12. Review status: criteria provided, single submitter. Criteria: Ambry Variant Classification Scheme 2023. Collection method: clinical testing. Allele origin: germline.